The following is an entry in ClinVar:

NM_006576.4(AVIL):c.448-8_448-6del

Gene: AVIL (advillin; minus strand). Cytogenetic location: 12q14.1.
Variant type: Deletion.
Coding change: c.448-8_448-6del on transcript NM_006576.4 (MANE Select); 8 bases into the intron before coding-DNA position 448 through 6 bases into the intron before coding-DNA position 448, 3 bases deleted (ATC; older notation c.448-8_448-6delATC).
Molecular consequence: intron variant.
Genome position (GRCh38, 1-based): chr12:57,810,932-57,810,934, GAT deleted on the plus strand (ATC on the coding strand, the reverse complement: AVIL is on the minus strand); deleting any 3 consecutive bases within chr12:57,810,932-57,810,936 gives the same sequence; the c. name uses the placement nearest the transcript's 3' end. VCF-style (leftmost placement, unchanged base first): chr12-57810931-CGAT-C. GRCh37 (hg19) VCF-style: chr12-58204714-CGAT-C.
Identifiers: ClinVar variation 4989520 (VCV004989520.1).

ClinVar aggregate classification (germline): Likely benign (1 of 4 stars; one submission).

Conditions:
AVIL-related disorder. Also called: AVIL-related condition.

Submission:

PreventionGenetics, part of Exact Sciences
Classification: Likely benign for AVIL-related condition. Last evaluated: 2026-01-13. Review status: criteria provided, single submitter. Criteria: ACMG Guidelines, 2015. Collection method: clinical testing. Allele origin: germline.
Comment: This variant is classified as likely benign based on ACMG/AMP sequence variant interpretation guidelines (Richards et al. 2015 PMID: 25741868, with internal and published modifications).